The following is an entry in ClinVar:

ClinVar aggregate classification (germline): Conflicting classifications of pathogenicity. Review status: criteria provided, conflicting classifications (1 of 4 stars). 5 submissions from 5 submitters: Uncertain significance (3); Likely benign (2). Last evaluated 2026-02-03.

Conditions:
Familial thoracic aortic aneurysm and aortic dissection (TAAD). Also called: Thoracic aortic aneurysms and dissections. Identifiers: Orphanet 91387, MedGen C4707243, MONDO:0019625.
Ehlers-Danlos syndrome, classic type, 1 (EDSCL1). Also called: EHLERS-DANLOS SYNDROME, GRAVIS TYPE; EHLERS-DANLOS SYNDROME, SEVERE CLASSIC TYPE; EDS I; Ehlers-Danlos Syndrome, Classic Type, COL5A1-Related; Ehlers-Danlos syndrome, type 1. Identifiers: MedGen C0268335, MONDO:0019567, OMIM 130000.

Allele frequency attached by ClinVar (database versions not stated): gnomAD exomes 0.00005 and 0.00010; ExAC 0.00007; TOPMed 0.00005; gnomAD 0.00002.
gnomAD v4.1: 35 of 1,614,064 alleles (0.0022%); highest among the groups gnomAD compares: Admixed American, 0.057%; no homozygotes.

Submissions (5):

Labcorp Genetics (formerly Invitae), Labcorp
Classification: Likely benign for Ehlers-Danlos syndrome, classic type, 1. Last evaluated: 2026-02-03. Review status: criteria provided, single submitter. Criteria: Invitae Variant Classification Sherloc (09022015). Collection method: clinical testing. Allele origin: germline.

Ambry Genetics
Classification: Uncertain significance for Familial thoracic aortic aneurysm and aortic dissection. Last evaluated: 2024-10-29. Review status: criteria provided, single submitter. Criteria: Ambry Variant Classification Scheme 2023. Collection method: clinical testing. Allele origin: germline.
Comment: The p.V1813M variant (also known as c.5437G>A), located in coding exon 66 of the COL5A1 gene, results from a G to A substitution at nucleotide position 5437. The valine at codon 1813 is replaced by methionine, an amino acid with highly similar properties. This amino acid position is highly conserved in available vertebrate species. In addition, the in silico prediction for this alteration is inconclusive. Based on the available evidence, the clinical significance of this variant remains unclear.

Women's Health and Genetics/Laboratory Corporation of America, LabCorp
Classification: Likely benign. Last evaluated: 2023-07-21. Review status: criteria provided, single submitter. Criteria: LabCorp Variant Classification Summary - May 2015. Collection method: clinical testing. Allele origin: germline.

Mayo Clinic Laboratories, Mayo Clinic
Classification: Uncertain significance. Last evaluated: 2022-08-25. Review status: criteria provided, single submitter. Criteria: ACMG Guidelines, 2015. Collection method: clinical testing. Allele origin: germline. Observed: 1 variant allele.
Comment: BS1

GeneDx
Classification: Uncertain significance. Last evaluated: 2022-02-28. Review status: criteria provided, single submitter. Criteria: GeneDx Variant Classification Process June 2021. Collection method: clinical testing. Allele origin: germline. Affected: yes.
Comment: Has not been previously published as pathogenic or benign to our knowledge; In silico analysis supports that this missense variant does not alter protein structure/function; Not located in the triple helical region, where the majority of pathogenic missense variants occur (Symoens et al., 2012; HGMD)

NM_000093.5(COL5A1):c.5437G>A (p.Val1813Met)

Genes: COL5A1 (collagen type V alpha 1 chain; plus strand), LOC101448202 (uncharacterized LOC101448202; minus strand). Cytogenetic location: 9q34.3.
Variant type: single nucleotide variant.
Coding change: c.5437G>A on transcript NM_000093.5 (MANE Select); coding-DNA position 5437, G replaced by A.
Protein change: p.Val1813Met; replaces valine 1813 with methionine.
Molecular consequence: missense variant.
Genome position (GRCh38, 1-based): chr9:134,842,223, G>A. VCF-style: chr9-134842223-G-A. GRCh37 (hg19) VCF-style: chr9-137734069-G-A.
Other names: p.Val1813Met; c.5437G>A, p.Val1813Met (NM_001278074.1); short protein forms V1813M.
Identifiers: ClinVar variation 459713 (VCV000459713.17), dbSNP rs755914340, ClinGen allele CA5320749.